The following is an entry in ClinVar:

NM_021224.6(ZNF462):c.1130T>C (p.Leu377Pro)

Gene: ZNF462 (zinc finger protein 462; plus strand). Cytogenetic location: 9q31.2.
Variant type: single nucleotide variant.
Coding change: c.1130T>C on transcript NM_021224.6 (MANE Select); coding-DNA position 1130, T replaced by C.
Protein change: p.Leu377Pro; replaces leucine 377 with proline.
Molecular consequence: missense variant.
Genome position (GRCh38, 1-based): chr9:106,925,042, T>C. VCF-style: chr9-106925042-T-C. GRCh37 (hg19) VCF-style: chr9-109687323-T-C.
Other names: c.1130T>C, p.Leu377Pro (NM_001347997.2); short protein forms L377P.
Identifiers: ClinVar variation 4076354 (VCV004076354.1).

ClinVar aggregate classification (germline): Uncertain significance (1 of 4 stars; one submission).

Conditions:
Weiss-Kruszka syndrome. Also called: Metopic ridging-ptosis-facial dysmorphism syndrome. Identifiers: Orphanet 502430, MedGen C5568107, MONDO:0032836, OMIM 618619.

Submission:

Laboratorio de Genetica e Diagnostico Molecular, Hospital Israelita Albert Einstein
Classification: Uncertain significance for Weiss-Kruszka syndrome. Last evaluated: 2024-10-29. Review status: criteria provided, single submitter. Criteria: ACMG Guidelines, 2015. Collection method: clinical testing. Allele origin: germline. Affected: yes.
Comment: ACMG classification criteria: PM2 supporting, BP4 supporting